The following is an entry in ClinVar:

ClinVar aggregate classification (germline): Uncertain significance (1 of 4 stars; one submission).

Submission:

Labcorp Genetics (formerly Invitae), Labcorp
Classification: Uncertain significance. Last evaluated: 2021-10-21. Review status: criteria provided, single submitter. Criteria: Invitae Variant Classification Sherloc (09022015). Collection method: clinical testing. Allele origin: germline.
Comment: This sequence change replaces valine, which is neutral and non-polar, with leucine, which is neutral and non-polar, at codon 376 of the ZFP57 protein (p.Val376Leu). This variant is not present in population databases (gnomAD no frequency). In summary, the available evidence is currently insufficient to determine the role of this variant in disease. Therefore, it has been classified as a Variant of Uncertain Significance. Algorithms developed to predict the effect of missense changes on protein structure and function are either unavailable or do not agree on the potential impact of this missense change (SIFT: "Not Available"; PolyPhen-2: "Benign"; Align-GVGD: "Not Available"). This variant has not been reported in the literature in individuals affected with ZFP57-related conditions.

NM_001109809.5(ZFP57):c.1126G>C (p.Val376Leu)

Gene: ZFP57 (ZFP57 zinc finger protein; minus strand). Cytogenetic location: 6p22.1.
Variant type: single nucleotide variant.
Coding change: c.1126G>C on transcript NM_001109809.5 (MANE Select); coding-DNA position 1126, G replaced by C.
Protein change: p.Val376Leu; replaces valine 376 with leucine.
Molecular consequence: missense variant.
Genome position (GRCh38, 1-based): chr6:29,672,985, C>G on the plus strand (G>C on the coding strand, the complement: ZFP57 is on the minus strand). VCF-style: chr6-29672985-C-G. GRCh37 (hg19) VCF-style: chr6-29640762-C-G.
Other names: c.910G>C, p.Val304Leu (NM_001366333.2); short protein forms V304L, V376L.
Identifiers: ClinVar variation 1346185 (VCV001346185.6), dbSNP rs1771788162, ClinGen allele CA363043924.